The following is an entry in ClinVar:

NM_015650.4(TRAF3IP1):c.1379G>A (p.Arg460Gln)

Gene: TRAF3IP1 (TRAF3 interacting protein 1; plus strand). Cytogenetic location: 2q37.3.
Variant type: single nucleotide variant.
Coding change: c.1379G>A on transcript NM_015650.4 (MANE Select); coding-DNA position 1379, G replaced by A.
Protein change: p.Arg460Gln; replaces arginine 460 with glutamine.
Molecular consequence: missense variant.
Genome position (GRCh38, 1-based): chr2:238,349,336, G>A. VCF-style: chr2-238349336-G-A. GRCh37 (hg19) VCF-style: chr2-239257977-G-A.
Other names: c.1181G>A, p.Arg394Gln (NM_001139490.1); short protein forms R394Q, R460Q.
Identifiers: ClinVar variation 1056793 (VCV001056793.8), dbSNP rs760551791, ClinGen allele CA2198434.
Genomic context (GRCh38, chr2:238,349,336, plus strand): 5'-GTATAAGCCTTTCATACTCCTTTTTTGGTTTTCCAATATTTGGGTTTAGAAGAATTCCTC[G>A]GCCTGGGAGTGCAAGACCAGCCCCTCCCCGGGTCAAACGGCAAGACAGCATGGAGGCGCT-3'
Protein context (NP_056465.2, residues 450-470): ELSSNIRRIP[Arg460Gln]PGSARPAPPR

ClinVar aggregate classification (germline): Uncertain significance (1 of 4 stars; one submission).

Allele frequency attached by ClinVar (database versions not stated): gnomAD 0.00001; TOPMed 0.00001.
gnomAD v4.1: 32 of 1,613,912 alleles (0.002%); highest among the groups gnomAD compares: South Asian, 0.02%; no homozygotes.

Submission:

Labcorp Genetics (formerly Invitae), Labcorp
Classification: Uncertain significance. Last evaluated: 2023-10-03. Review status: criteria provided, single submitter. Criteria: Invitae Variant Classification Sherloc (09022015). Collection method: clinical testing. Allele origin: germline.
Comment: This sequence change replaces arginine, which is basic and polar, with glutamine, which is neutral and polar, at codon 460 of the TRAF3IP1 protein (p.Arg460Gln). This variant is present in population databases (rs760551791, gnomAD 0.02%). This variant has not been reported in the literature in individuals affected with TRAF3IP1-related conditions. ClinVar contains an entry for this variant (Variation ID: 1056793). Advanced modeling of protein sequence and biophysical properties (such as structural, functional, and spatial information, amino acid conservation, physicochemical variation, residue mobility, and thermodynamic stability) performed at Invitae indicates that this missense variant is expected to disrupt TRAF3IP1 protein function. In summary, the available evidence is currently insufficient to determine the role of this variant in disease. Therefore, it has been classified as a Variant of Uncertain Significance.